The following is an entry in ClinVar:

NM_014425.5(INVS):c.2468A>G (p.Gln823Arg)

Gene: INVS (inversin; plus strand). Cytogenetic location: 9q31.1.
Variant type: single nucleotide variant.
Coding change: c.2468A>G on transcript NM_014425.5 (MANE Select); coding-DNA position 2468, A replaced by G.
Protein change: p.Gln823Arg; replaces glutamine 823 with arginine.
Molecular consequence: missense variant. On other transcripts: non-coding transcript variant (1).
Genome position (GRCh38, 1-based): chr9:100,292,725, A>G. VCF-style: chr9-100292725-A-G. GRCh37 (hg19) VCF-style: chr9-103055007-A-G.
Other names: c.2180A>G, p.Gln727Arg (NM_001318381.2); c.1490A>G, p.Gln497Arg (NM_001318382.2); short protein forms Q727R, Q497R, Q823R.
Identifiers: ClinVar variation 934125 (VCV000934125.7), dbSNP rs752586599, ClinGen allele CA5158638.
Genomic context (GRCh38, chr9:100,292,725, plus strand): 5'-GCTCTCCGGCTGGTTCTAGCCGCCCTGGCAGTGCCCGGGGGGAGGCGGTCCATGCTGGGC[A>G]GAATCCTCCCCACCATCGTACACCAAGAAACAAAGTGACACAAGCCAAGCTCACAGGAGG-3'
Protein context (NP_055240.2, residues 813-833): SARGEAVHAG[Gln823Arg]NPPHHRTPRN

ClinVar aggregate classification (germline): Uncertain significance (1 of 4 stars; one submission).

Conditions:
Nephronophthisis. Also called: Juvenile Nephronophthisis. Identifiers: Orphanet 655, MedGen C0687120, MONDO:0019005, HP:0000090.

Allele frequency attached by ClinVar (database versions not stated): gnomAD exomes 0.00001; ExAC 0.00002.
gnomAD v4.1: 4 of 1,614,172 alleles (0.00025%); highest among the groups gnomAD compares: Admixed American, 0.0067%; no homozygotes.

Submission:

Labcorp Genetics (formerly Invitae), Labcorp
Classification: Uncertain significance for Nephronophthisis. Last evaluated: 2023-11-27. Review status: criteria provided, single submitter. Criteria: Invitae Variant Classification Sherloc (09022015). Collection method: clinical testing. Allele origin: germline.
Comment: This sequence change replaces glutamine, which is neutral and polar, with arginine, which is basic and polar, at codon 823 of the INVS protein (p.Gln823Arg). This variant is present in population databases (rs752586599, gnomAD 0.009%). This variant has not been reported in the literature in individuals affected with INVS-related conditions. ClinVar contains an entry for this variant (Variation ID: 934125). An algorithm developed to predict the effect of missense changes on protein structure and function (PolyPhen-2) suggests that this variant is likely to be tolerated. In summary, the available evidence is currently insufficient to determine the role of this variant in disease. Therefore, it has been classified as a Variant of Uncertain Significance.